The following is an entry in ClinVar:

ClinVar aggregate classification (germline): Benign/Likely benign. Review status: criteria provided, multiple submitters, no conflicts (2 of 4 stars). 6 submissions from 6 submitters: Benign (1); Likely benign (3). 2 of the submissions do not count toward it. Last evaluated 2025-06-12.

Conditions:
CCDC50-related disorder. Also called: CCDC50-related condition.

Allele frequency attached by ClinVar (database versions not stated): gnomAD exomes 0.00012 and 0.00034; ExAC 0.00052; gnomAD 0.00153 and 0.00170; ESP Exome Variant Server 0.00154; TOPMed 0.00159; 1000 Genomes Project 0.00200; 1000 Genomes Project 30x 0.00203.
gnomAD v4.1: 417 of 1,613,188 alleles (0.026%); highest among the groups gnomAD compares: African/African-American, 0.5%; 3 homozygotes.

Submissions (7):

Labcorp Genetics (formerly Invitae), Labcorp
Classification: Likely benign. Last evaluated: 2025-06-12. Review status: criteria provided, single submitter. Criteria: Invitae Variant Classification Sherloc (09022015). Collection method: clinical testing. Allele origin: germline.

CeGaT Center for Human Genetics Tuebingen
Classification: Likely benign. Last evaluated: 2024-07-01. Review status: criteria provided, single submitter. Criteria: CeGaT Center For Human Genetics Tuebingen Variant Classification Criteria Version 2. Collection method: clinical testing. Allele origin: germline. Affected: yes. Observed: 1 variant allele.
Comment: CCDC50: BP4, BS2

GeneDx
Classification: Likely benign. Last evaluated: 2020-11-17. Review status: criteria provided, single submitter. Criteria: GeneDx Variant Classification Process June 2021. Collection method: clinical testing. Allele origin: germline. Affected: yes.

Laboratory for Molecular Medicine, Mass General Brigham Personalized Medicine
Classification: Benign. Last evaluated: 2017-03-31. Review status: criteria provided, single submitter. Criteria: LMM Criteria. Collection method: clinical testing. Allele origin: germline. Observed: 2 variant alleles.
Comment: p.Lys426Glu in Exon 10 of CCDC50: This variant is not expected to have clinical significance because it has been identified in 0.5% (131/24026) of African chrom osomes including 1 homozygote by the Genome Aggregation Database (.; dbSNP rs114146378).

PreventionGenetics, part of Exact Sciences
Classification: Benign for CCDC50-related condition. Last evaluated: 2019-05-23. Review status: no assertion criteria provided. Collection method: clinical testing. Allele origin: germline. Not counted in ClinVar's aggregate classification.
Comment: This variant is classified as benign based on ACMG/AMP sequence variant interpretation guidelines (Richards et al. 2015 PMID: 25741868, with internal and published modifications).

Department of Pathology and Laboratory Medicine, Sinai Health System
Classification: Benign. Review status: no assertion criteria provided. Collection method: clinical testing. Allele origin: unknown. Affected: yes. Study: The Canadian Open Genetics Repository (COGR). Not counted in ClinVar's aggregate classification.
Comment: The CCDC50 p.K426E variant was not identified in the literature but was identified in dbSNP (ID: rs114146378) and ClinVar (classified as likely benign by Invitae and as benign by Laboratory for Molecular Medicine). The variant was identified in control databases in 143 of 282448 chromosomes (1 homozygous) at a frequency of 0.0005063, and was observed at the highest frequency in the African population in 135 of 24962 chromosomes (1 homozygous) (freq: 0.005408) (Genome Aggregation Database March 6, 2019, v2.1.1). The p.K426 residue is not conserved in mammals and computational analyses (MUT Assesor, PolyPhen-2, SIFT, MutationTaster, Revel, FATHMM, MetaLR, DANN) do not suggest a high likelihood of impact to the protein; this information is not very predictive of pathogenicity. The variant occurs outside of the splicing consensus sequence and in silico or computational prediction software programs (Splice AI exome) do not predict a difference in splicing. In summary, based on the above information this variant meets our laboratory's criteria to be classified as benign.

Dr. Peter K. Rogan Lab, Western University
No classification provided (evidence only). Condition: Sarcoma. Review status: no classification provided. Collection method: in vitro. Allele origin: not applicable. Functional consequence: retained intron. Not counted in ClinVar's aggregate classification.

NM_178335.3(CCDC50):c.1276A>G (p.Lys426Glu)

Gene: CCDC50 (coiled-coil domain containing 50; plus strand). Cytogenetic location: 3q28.
Variant type: single nucleotide variant.
Coding change: c.1276A>G on transcript NM_178335.3 (MANE Select); coding-DNA position 1276, A replaced by G.
Protein change: p.Lys426Glu; replaces lysine 426 with glutamic acid.
Molecular consequence: missense variant.
Genome position (GRCh38, 1-based): chr3:191,382,779, A>G. VCF-style: chr3-191382779-A-G. GRCh37 (hg19) VCF-style: chr3-191100568-A-G.
Other names: c.748A>G, p.Lys250Glu (NM_174908.4); short protein forms K426E, K250E.
Identifiers: ClinVar variation 227212 (VCV000227212.35), dbSNP rs114146378, ClinGen allele CA2755518.